The following is an entry in ClinVar:

ClinVar aggregate classification (germline): Uncertain significance (1 of 4 stars; one submission).

Conditions:
Left ventricular noncompaction 8 (LVNC8). Identifiers: Orphanet 154, Orphanet 54260, MedGen C3809288, MONDO:0014152, OMIM 615373.

Allele frequency attached by ClinVar (database versions not stated): gnomAD exomes 0.00003; gnomAD 0.00004 and 0.00005; ExAC 0.00005; TOPMed 0.00005; 1000 Genomes Project 30x 0.00016; 1000 Genomes Project 0.00020.
gnomAD v4.1: 56 of 1,613,724 alleles (0.0035%); highest among the groups gnomAD compares: East Asian, 0.12%; no homozygotes.

Submission:

Labcorp Genetics (formerly Invitae), Labcorp
Classification: Uncertain significance for Left ventricular noncompaction 8. Last evaluated: 2025-02-20. Review status: criteria provided, single submitter. Criteria: Invitae Variant Classification Sherloc (09022015). Collection method: clinical testing. Allele origin: germline.
Comment: This sequence change replaces leucine, which is neutral and non-polar, with valine, which is neutral and non-polar, at codon 716 of the PRDM16 protein (p.Leu716Val). This variant is present in population databases (rs530296389, gnomAD 0.06%). This variant has not been reported in the literature in individuals affected with PRDM16-related conditions. ClinVar contains an entry for this variant (Variation ID: 663604). An algorithm developed to predict the effect of missense changes on protein structure and function (PolyPhen-2) suggests that this variant is likely to be tolerated. Algorithms developed to predict the effect of sequence changes on RNA splicing suggest that this variant may create or strengthen a splice site. In summary, the available evidence is currently insufficient to determine the role of this variant in disease. Therefore, it has been classified as a Variant of Uncertain Significance.

NM_022114.4(PRDM16):c.2146C>G (p.Leu716Val)

Gene: PRDM16 (PR/SET domain 16; plus strand). Cytogenetic location: 1p36.32.
Variant type: single nucleotide variant.
Coding change: c.2146C>G on transcript NM_022114.4 (MANE Select); coding-DNA position 2146, C replaced by G.
Protein change: p.Leu716Val; replaces leucine 716 with valine.
Molecular consequence: missense variant.
Genome position (GRCh38, 1-based): chr1:3,412,343, C>G. VCF-style: chr1-3412343-C-G. GRCh37 (hg19) VCF-style: chr1-3328907-C-G.
Other names: c.2146C>G, p.Leu716Val (NM_199454.3); short protein forms L716V.
Identifiers: ClinVar variation 663604 (VCV000663604.9), dbSNP rs530296389, ClinGen allele CA544397.
Genomic context (GRCh38, chr1:3,412,343, plus strand): 5'-ATCGCATCCATTGCCGAGAAGTACTTTGGCCCCGGCTTCATGGGGATGCAGGAGAAGAAG[C>G]TGGGCTCGCTCCCCTACCACTCGGCGTTCCCCTTCCAGTTCCTGCCCAACTTCCCCCACT-3'
Protein context (NP_071397.3, residues 706-726): PGFMGMQEKK[Leu716Val]GSLPYHSAFP